The following is an entry in ClinVar:

ClinVar aggregate classification (germline): Uncertain significance (1 of 4 stars; one submission).

Conditions:
Baller-Gerold syndrome (BGS). Also called: CRANIOSYNOSTOSIS WITH RADIAL DEFECTS. Identifiers: Orphanet 1225, MedGen C0265308, MONDO:0009039, OMIM 218600.

Allele frequency attached by ClinVar (database versions not stated): gnomAD exomes below 0.00001; gnomAD 0.00001.
gnomAD v4.1: 3 of 1,612,456 alleles (0.00019%); highest among the groups gnomAD compares: Non-Finnish European, 0.00025%; no homozygotes.

Submission:

Labcorp Genetics (formerly Invitae), Labcorp
Classification: Uncertain significance for Baller-Gerold syndrome. Last evaluated: 2024-06-19. Review status: criteria provided, single submitter. Criteria: Invitae Variant Classification Sherloc (09022015). Collection method: clinical testing. Allele origin: germline.
Comment: This sequence change replaces alanine, which is neutral and non-polar, with valine, which is neutral and non-polar, at codon 971 of the RECQL4 protein (p.Ala971Val). This variant is present in population databases (no rsID available, gnomAD 0.0009%). This variant has not been reported in the literature in individuals affected with RECQL4-related conditions. ClinVar contains an entry for this variant (Variation ID: 664334). Advanced modeling of protein sequence and biophysical properties (such as structural, functional, and spatial information, amino acid conservation, physicochemical variation, residue mobility, and thermodynamic stability) performed at Invitae indicates that this missense variant is expected to disrupt RECQL4 protein function with a positive predictive value of 80%. In summary, the available evidence is currently insufficient to determine the role of this variant in disease. Therefore, it has been classified as a Variant of Uncertain Significance.

NM_004260.4(RECQL4):c.2912C>T (p.Ala971Val)

Gene: RECQL4 (RecQ like helicase 4; minus strand). Cytogenetic location: 8q24.3.
Variant type: single nucleotide variant.
Coding change: c.2912C>T on transcript NM_004260.4 (MANE Select); coding-DNA position 2912, C replaced by T.
Protein change: p.Ala971Val; replaces alanine 971 with valine.
Molecular consequence: missense variant.
Genome position (GRCh38, 1-based): chr8:144,512,535, G>A on the plus strand (C>T on the coding strand, the complement: RECQL4 is on the minus strand). VCF-style: chr8-144512535-G-A. GRCh37 (hg19) VCF-style: chr8-145737918-G-A.
Other names: short protein forms A971V.
Identifiers: ClinVar variation 664334 (VCV000664334.9), dbSNP rs1202372780, ClinGen allele CA372673505.